The following is an entry in ClinVar:

NM_024649.5(BBS1):c.788_797dup (p.Asn269fs)

Genes: BBS1 (Bardet-Biedl syndrome 1; plus strand), ZDHHC24 (zDHHC palmitoyltransferase 24; minus strand). Cytogenetic location: 11q13.2.
Variant type: Duplication.
Coding change: c.788_797dup on transcript NM_024649.5 (MANE Select); coding-DNA positions 788 to 797, 10 bases duplicated (TTGCCGCGGC; older notation c.788_797dupTTGCCGCGGC).
Protein change: p.Asn269fs; shifts the reading frame from asparagine 269.
Molecular consequence: frameshift variant. On other transcripts: 3 prime UTR variant (1).
Genome position (GRCh38, 1-based): chr11:66,521,334-66,521,343, TTGCCGCGGC duplicated; duplicating any 10 consecutive bases within chr11:66,521,330-66,521,343 gives the same sequence; the c. name uses the placement nearest the transcript's 3' end. VCF-style (leftmost placement, unchanged base first): chr11-66521329-C-CCGGCTTGCCG. GRCh37 (hg19) VCF-style: chr11-66288800-C-CCGGCTTGCCG.
Other names: c.*149_*158dup (NM_001348571.2); short protein forms N269fs.
Identifiers: ClinVar variation 2862708 (VCV002862708.5), dbSNP rs1311699085, ClinGen allele CA679425988.

ClinVar aggregate classification (germline): Pathogenic/Likely pathogenic. Review status: criteria provided, multiple submitters, no conflicts (2 of 4 stars). 3 submissions from 3 submitters: Pathogenic (2); Likely pathogenic (1). Last evaluated 2024-07-12.

Conditions:
Bardet-Biedl syndrome 1 (BBS1). Identifiers: MedGen C2936862, MONDO:0008854, OMIM 209900. Disease mechanism: loss of function.
Bardet-Biedl syndrome (BBS). Identifiers: Orphanet 110, MedGen C0752166, MONDO:0015229.

Submissions (3):

Myriad Genetics, Inc.
Classification: Pathogenic for Bardet-Biedl syndrome 1. Last evaluated: 2024-07-12. Review status: criteria provided, single submitter. Criteria: Myriad Autosomal Dominant, Autosomal Recessive and X-Linked Classification Criteria (2023). Collection method: clinical testing. Allele origin: unknown.
Comment: NM_024649.4(BBS1):c.788_797dup10(N269Gfs*95) is expected to be pathogenic in the context of Bardet-Biedl syndrome, BBS1-related. This variant is predicted to lead to an abnormal or absent protein product due to the creation of a premature termination codon in BBS1, a gene where loss-of-function variants are known to be pathogenic. Please note: this variant was assessed in the context of healthy population screening.

Fulgent Genetics
Classification: Likely pathogenic for Bardet-Biedl syndrome 1. Last evaluated: 2024-04-25. Review status: criteria provided, single submitter. Criteria: ACMG Guidelines, 2015. Collection method: clinical testing. Allele origin: germline.

Labcorp Genetics (formerly Invitae), Labcorp
Classification: Pathogenic for Bardet-Biedl syndrome. Last evaluated: 2023-07-27. Review status: criteria provided, single submitter. Criteria: Invitae Variant Classification Sherloc (09022015). Collection method: clinical testing. Allele origin: germline.
Comment: This variant is not present in population databases (gnomAD no frequency). This sequence change creates a premature translational stop signal (p.Asn269Glyfs*95) in the BBS1 gene. It is expected to result in an absent or disrupted protein product. Loss-of-function variants in BBS1 are known to be pathogenic (PMID: 12118255, 21520335, 27032803). This variant has not been reported in the literature in individuals affected with BBS1-related conditions. For these reasons, this variant has been classified as Pathogenic.

Literature cited by the submitters: PubMed 12118255 (cited by Labcorp Genetics (formerly Invitae), Labcorp); PubMed 21520335 (cited by Labcorp Genetics (formerly Invitae), Labcorp); PubMed 27032803 (cited by Labcorp Genetics (formerly Invitae), Labcorp).